The following is an entry in ClinVar:

ClinVar aggregate classification (germline): Likely benign (1 of 4 stars; one submission).

Conditions:
Sorsby fundus dystrophy (SFD). Also called: MACULAR DYSTROPHY, HEMORRHAGIC; FUNDUS DYSTROPHY, PSEUDOINFLAMMATORY, OF SORSBY; Sorsby fundus dystrophy, Lavia type. Identifiers: Orphanet 59181, MedGen C1850938, MONDO:0007640, OMIM 136900.

Allele frequency attached by ClinVar (database versions not stated): TOPMed 0.00800; 1000 Genomes Project 30x 0.00828; 1000 Genomes Project 0.00739.
gnomAD v4.1: 1,101 of 152,226 alleles (0.72%); highest among the groups gnomAD compares: African/African-American, 2.3%; 11 homozygotes.

Submission:

Illumina Laboratory Services, Illumina
Classification: Likely benign for Sorsby fundus dystrophy. Last evaluated: 2017-04-27. Review status: criteria provided, single submitter. Criteria: ICSL Variant Classification Criteria 13 December 2019. Collection method: clinical testing. Allele origin: germline.
Comment: This variant was observed as part of a predisposition screen in an ostensibly healthy population. A literature search was performed for the gene, cDNA change, and amino acid change (where applicable). No publications were found based on this search. Allele frequency data from public databases allowed determination this variant is unlikely to cause disease. Therefore, this variant is classified as likely benign.

NM_000362.4(TIMP3):c.-898T>C

Genes: SYN3 (synapsin III; minus strand), TIMP3 (TIMP metallopeptidase inhibitor 3; plus strand). Cytogenetic location: 22q12.3.
Variant type: single nucleotide variant.
Coding change: c.-898T>C on transcript NM_000362.4; 898 bases upstream of the start codon, T replaced by C.
Molecular consequence: intron variant (on NM_003490.4).
Genome position (GRCh38, 1-based): chr22:32,801,104, T>C. VCF-style: chr22-32801104-T-C. GRCh37 (hg19) VCF-style: chr22-33197090-T-C.
Other names: c.708+63811A>G (NM_001369909.1, NM_001135774.2, NM_001369910.1); c.711+63811A>G (NM_001369907.1, NM_003490.4, NM_001369908.1 and 1 more transcripts).
Identifiers: ClinVar variation 341330 (VCV000341330.7), dbSNP rs2234920, ClinGen allele CA10653390.